The following is an entry in ClinVar:

ClinVar aggregate classification (germline): Likely benign (0 of 4 stars; one submission).

Conditions:
CUL9-related disorder. Also called: CUL9-related condition.

Allele frequency attached by ClinVar (database versions not stated): TOPMed below 0.00001; gnomAD 0.00001; gnomAD exomes 0.00001.
gnomAD v4.1: 16 of 1,613,986 alleles (0.00099%); highest among the groups gnomAD compares: Middle Eastern, 0.066%; no homozygotes.

Submission:

PreventionGenetics, part of Exact Sciences
Classification: Likely benign for CUL9-related condition. Last evaluated: 2019-02-20. Review status: no assertion criteria provided. Collection method: clinical testing. Allele origin: germline.
Comment: This variant is classified as likely benign based on ACMG/AMP sequence variant interpretation guidelines (Richards et al. 2015 PMID: 25741868, with internal and published modifications).

NM_015089.4(CUL9):c.1287G>A (p.Val429=)

Genes: CUL9 (cullin 9; plus strand), LOC126859676 (MED14-independent group 3 enhancer GRCh37_chr6:43154118-43155317; plus strand). Cytogenetic location: 6p21.1.
Variant type: single nucleotide variant.
Coding change: c.1287G>A on transcript NM_015089.4 (MANE Select); coding-DNA position 1287, G replaced by A.
Protein change: p.Val429=; no amino-acid change (valine 429 retained).
Molecular consequence: synonymous variant.
Genome position (GRCh38, 1-based): chr6:43,186,995, G>A. VCF-style: chr6-43186995-G-A. GRCh37 (hg19) VCF-style: chr6-43154733-G-A.
Identifiers: ClinVar variation 3058055 (VCV003058055.2), dbSNP rs1317571075, ClinGen allele CA450275051.